The following is an entry in ClinVar:

NM_057175.5(NAA15):c.1958C>A (p.Pro653Gln)

Gene: NAA15 (N-alpha-acetyltransferase 15, NatA auxiliary subunit; plus strand). Cytogenetic location: 4q31.1.
Variant type: single nucleotide variant.
Coding change: c.1958C>A on transcript NM_057175.5 (MANE Select); coding-DNA position 1958, C replaced by A.
Protein change: p.Pro653Gln; replaces proline 653 with glutamine.
Molecular consequence: missense variant.
Genome position (GRCh38, 1-based): chr4:139,376,375, C>A. VCF-style: chr4-139376375-C-A. GRCh37 (hg19) VCF-style: chr4-140297529-C-A.
Other names: c.1958C>A, p.Pro653Gln (NM_001410842.1); short protein forms P653Q.
Identifiers: ClinVar variation 3370598 (VCV003370598.1).

ClinVar aggregate classification (germline): Uncertain significance (1 of 4 stars; one submission).

Submission:

GeneDx
Classification: Uncertain significance. Last evaluated: 2024-03-11. Review status: criteria provided, single submitter. Criteria: GeneDx Variant Classification Process June 2021. Collection method: clinical testing. Allele origin: germline. Affected: yes.
Comment: Not observed at significant frequency in large population cohorts (gnomAD); In silico analysis supports that this missense variant has a deleterious effect on protein structure/function; Has not been previously published as pathogenic or benign to our knowledge